The following is an entry in ClinVar:

ClinVar aggregate classification (germline): Uncertain significance (1 of 4 stars; one submission).

Conditions:
Fanconi anemia (FA). Also called: Fanconi's anemia. Identifiers: Orphanet 84, MedGen C0015625, MeSH D005199, MONDO:0019391.

Submission:

Labcorp Genetics (formerly Invitae), Labcorp
Classification: Uncertain significance for Fanconi anemia. Last evaluated: 2023-10-03. Review status: criteria provided, single submitter. Criteria: Invitae Variant Classification Sherloc (09022015). Collection method: clinical testing. Allele origin: germline.
Comment: This sequence change replaces arginine, which is basic and polar, with serine, which is neutral and polar, at codon 245 of the FANCA protein (p.Arg245Ser). This variant is not present in population databases (gnomAD no frequency). This variant has not been reported in the literature in individuals affected with FANCA-related conditions. Advanced modeling of protein sequence and biophysical properties (such as structural, functional, and spatial information, amino acid conservation, physicochemical variation, residue mobility, and thermodynamic stability) performed at Invitae indicates that this missense variant is not expected to disrupt FANCA protein function. Algorithms developed to predict the effect of sequence changes on RNA splicing suggest that this variant may create or strengthen a splice site. In summary, the available evidence is currently insufficient to determine the role of this variant in disease. Therefore, it has been classified as a Variant of Uncertain Significance.

NM_000135.4(FANCA):c.735G>C (p.Arg245Ser)

Gene: FANCA (FA complementation group A; minus strand). Cytogenetic location: 16q24.3.
Variant type: single nucleotide variant.
Coding change: c.735G>C on transcript NM_000135.4 (MANE Select); coding-DNA position 735, G replaced by C.
Protein change: p.Arg245Ser; replaces arginine 245 with serine.
Molecular consequence: missense variant.
Genome position (GRCh38, 1-based): chr16:89,803,316, C>G on the plus strand (G>C on the coding strand, the complement: FANCA is on the minus strand). VCF-style: chr16-89803316-C-G. GRCh37 (hg19) VCF-style: chr16-89869724-C-G.
Other names: c.735G>C, p.Arg245Ser (NM_001018112.3, NM_001286167.3); c.639G>C, p.Arg213Ser (NM_001351830.2); short protein forms R213S, R245S.
Identifiers: ClinVar variation 2851813 (VCV002851813.3), dbSNP rs2544322264, ClinGen allele CA397476318.